The following is an entry in ClinVar:

ClinVar aggregate classification (germline): Uncertain significance. Review status: criteria provided, multiple submitters, no conflicts (2 of 4 stars). 3 submissions from 3 submitters: Uncertain significance (3). Last evaluated 2025-07-31.

Conditions:
Acute myeloid leukemia (AML). Also called: Leukemia, acute myeloid, somatic; Leukemia, acute myelogenous, somatic; Acute myeloid leukemia, adult; AML adult; Acute non-lymphocytic leukemia; Acute granulocytic leukemia. Identifiers: Orphanet 519, MedGen C0023467, MeSH D015470, MONDO:0018874, OMIM 601626, HP:0004808. Disease mechanism: Constitutively activated FLT3.

Allele frequency attached by ClinVar (database versions not stated): gnomAD 0.00003; gnomAD exomes 0.00003; TOPMed 0.00005.
gnomAD v4.1: 35 of 1,302,910 alleles (0.0027%); highest among the groups gnomAD compares: Non-Finnish European, 0.0032%; no homozygotes.

Submissions (3):

Labcorp Genetics (formerly Invitae), Labcorp
Classification: Uncertain significance for Acute myeloid leukemia. Last evaluated: 2025-07-31. Review status: criteria provided, single submitter. Criteria: Invitae Variant Classification Sherloc (09022015). Collection method: clinical testing. Allele origin: germline.
Comment: This sequence change replaces alanine, which is neutral and non-polar, with valine, which is neutral and non-polar, at codon 176 of the CEBPA protein (p.Ala176Val). This variant is not present in population databases (gnomAD no frequency). This variant has not been reported in the literature in individuals affected with CEBPA-related conditions. ClinVar contains an entry for this variant (Variation ID: 526820). Invitae Evidence Modeling of protein sequence and biophysical properties (such as structural, functional, and spatial information, amino acid conservation, physicochemical variation, residue mobility, and thermodynamic stability) indicates that this missense variant is not expected to disrupt CEBPA protein function with a negative predictive value of 80%. In summary, the available evidence is currently insufficient to determine the role of this variant in disease. Therefore, it has been classified as a Variant of Uncertain Significance.

St. Jude Molecular Pathology, St. Jude Children's Research Hospital
Classification: Uncertain significance for Acute myeloid leukemia. Last evaluated: 2024-10-10. Review status: criteria provided, single submitter. Criteria: St. Jude Assertion Criteria 2020. Collection method: clinical testing. Allele origin: germline.
Comment: The CEBPA c.527C>T (p.Ala176Val) missense change is absent in gnomAD v2.1.1. The in silico tool REVEL predicts a benign effect on protein function, but this prediction has not been confirmed by functional studies. This variant has not been reported in individuals with familial acute myeloid leukemia. In summary, the evidence currently available is insufficient to determine the clinical significance of this variant. It has therefore been classified as of uncertain significance.

Baylor Genetics
Classification: Uncertain significance for Acute myeloid leukemia. Last evaluated: 2023-05-04. Review status: criteria provided, single submitter. Criteria: ACMG Guidelines, 2015. Collection method: clinical testing. Allele origin: unknown.

NM_004364.5(CEBPA):c.527C>T (p.Ala176Val)

Gene: CEBPA (CCAAT enhancer binding protein alpha; minus strand). Cytogenetic location: 19q13.11.
Variant type: single nucleotide variant.
Coding change: c.527C>T on transcript NM_004364.5 (MANE Select); coding-DNA position 527, C replaced by T.
Protein change: p.Ala176Val; replaces alanine 176 with valine.
Molecular consequence: missense variant.
Genome position (GRCh38, 1-based): chr19:33,301,888, G>A on the plus strand (C>T on the coding strand, the complement: CEBPA is on the minus strand). VCF-style: chr19-33301888-G-A. GRCh37 (hg19) VCF-style: chr19-33792794-G-A.
Other names: c.170C>T, p.Ala57Val (NM_001285829.2); c.632C>T, p.Ala211Val (NM_001287424.2); c.485C>T, p.Ala162Val (NM_001287435.2); short protein forms A176V, A162V, A211V, A57V.
Identifiers: ClinVar variation 526820 (VCV000526820.12), dbSNP rs957167825, ClinGen allele CA307844297.